The following is an entry in ClinVar:

NM_004370.6(COL12A1):c.7303G>A (p.Gly2435Ser)

Genes: COL12A1 (collagen type XII alpha 1 chain; minus strand), LOC126859712 (MED14-independent group 3 enhancer GRCh37_chr6:75828643-75829842; plus strand). Cytogenetic location: 6q13.
Variant type: single nucleotide variant.
Coding change: c.7303G>A on transcript NM_004370.6 (MANE Select); coding-DNA position 7303, G replaced by A.
Protein change: p.Gly2435Ser; replaces glycine 2435 with serine.
Molecular consequence: missense variant.
Genome position (GRCh38, 1-based): chr6:75,119,094, C>T on the plus strand (G>A on the coding strand, the complement: COL12A1 is on the minus strand). VCF-style: chr6-75119094-C-T. GRCh37 (hg19) VCF-style: chr6-75828810-C-T.
Other names: c.3811G>A, p.Gly1271Ser (NM_080645.3); short protein forms G2435S, G1271S.
Identifiers: ClinVar variation 1524745 (VCV001524745.6), dbSNP rs2149366214, ClinGen allele CA364747581.

ClinVar aggregate classification (germline): Uncertain significance (1 of 4 stars; one submission).

Conditions:
Ullrich congenital muscular dystrophy 2 (UCMD2). Identifiers: Orphanet 75840, MedGen C4225314, MONDO:0014654, OMIM 616470.
Bethlem myopathy 2 (BTHLM2). Identifiers: Orphanet 536516, Orphanet 610, MedGen C4225313, MONDO:0034022, OMIM 616471.

Submission:

Labcorp Genetics (formerly Invitae), Labcorp
Classification: Uncertain significance for Bethlem myopathy 2; Ullrich congenital muscular dystrophy 2. Last evaluated: 2022-03-18. Review status: criteria provided, single submitter. Criteria: Invitae Variant Classification Sherloc (09022015). Collection method: clinical testing. Allele origin: germline.
Comment: This sequence change replaces glycine, which is neutral and non-polar, with serine, which is neutral and polar, at codon 2435 of the COL12A1 protein (p.Gly2435Ser). This variant is not present in population databases (gnomAD no frequency). This missense change has been observed in individual(s) with clinical features of COL12A1-related conditions (Invitae). Algorithms developed to predict the effect of missense changes on protein structure and function (SIFT, PolyPhen-2, Align-GVGD) all suggest that this variant is likely to be disruptive. Algorithms developed to predict the effect of sequence changes on RNA splicing suggest that this variant may create or strengthen a splice site. In summary, the available evidence is currently insufficient to determine the role of this variant in disease. Therefore, it has been classified as a Variant of Uncertain Significance.